The following is an entry in ClinVar:

NM_001243279.3(ACSF3):c.634G>A (p.Val212Met)

Gene: ACSF3 (acyl-CoA synthetase family member 3; plus strand). Cytogenetic location: 16q24.3.
Variant type: single nucleotide variant.
Coding change: c.634G>A on transcript NM_001243279.3 (MANE Select); coding-DNA position 634, G replaced by A.
Protein change: p.Val212Met; replaces valine 212 with methionine.
Molecular consequence: missense variant. On other transcripts: non-coding transcript variant (3), intron variant (1).
Genome position (GRCh38, 1-based): chr16:89,101,315, G>A. VCF-style: chr16-89101315-G-A. GRCh37 (hg19) VCF-style: chr16-89167723-G-A.
Other names: c.634G>A, p.Val212Met (NM_001127214.4, NM_174917.5); c.-129-1289G>A (NM_001284316.2); c.634G>A (NM_174917.4); short protein forms V212M.
Identifiers: ClinVar variation 2680396 (VCV002680396.2), dbSNP rs747820684, ClinGen allele CA397135749.

ClinVar aggregate classification (germline): Likely pathogenic. Review status: criteria provided, multiple submitters, no conflicts (2 of 4 stars). 2 submissions from 2 submitters: Likely pathogenic (2). Last evaluated 2025-05-24.

Conditions:
Combined malonic and methylmalonic acidemia. Identifiers: Orphanet 289504, MedGen C3280314, MONDO:0013661, OMIM 614265.

Allele frequency attached by ClinVar (database versions not stated): 1000 Genomes Project 30x 0.00016.
gnomAD v4.1: 21 of 1,598,142 alleles (0.0013%); highest among the groups gnomAD compares: African/African-American, 0.0027%; no homozygotes.

Submissions (2):

Natera, Inc.
Classification: Likely pathogenic for Combined malonic and methylmalonic aciduria. Last evaluated: 2025-05-24. Review status: criteria provided, single submitter. Criteria: Natera Variant Classification Schema (03/2026). Collection method: clinical testing. Allele origin: germline.
Comment: The c.634G>A variant in ACSF3 is a missense variant predicted to cause substitution of valine to methionine at amino acid 212. This variant is rare in the general population with a frequency below the threshold expected for the associated phenotype(s). This variant has been observed in one or more individuals affected with the associated recessive disease, as either homozygous or compound heterozygous with a second variant (PMID: 30740739). This variant has been identified in one or more affected individuals with a phenotype highly consistent with the associated gene (PMID: 30740739). Computational prediction algorithms indicate this variant is likely to affect gene or protein function. Given the available evidence, this variant is classified as Likely Pathogenic.

Baylor Genetics
Classification: Likely pathogenic for Combined malonic and methylmalonic acidemia. Last evaluated: 2023-10-04. Review status: criteria provided, single submitter. Criteria: ACMG Guidelines, 2015. Collection method: clinical testing. Allele origin: unknown.

Literature cited by the submitters: PubMed 30740739 (cited by Natera, Inc.).